The following is an entry in ClinVar:

ClinVar aggregate classification (germline): Benign. Review status: criteria provided, multiple submitters, no conflicts (2 of 4 stars). 2 submissions from 2 submitters: Benign (2). Last evaluated 2018-06-19.

Allele frequency attached by ClinVar (database versions not stated): gnomAD 0.12043 and 0.12408; gnomAD exomes 0.13107; TOPMed 0.13180; 1000 Genomes Project 0.14936; 1000 Genomes Project 30x 0.14959.
gnomAD v4.1: 140,606 of 1,079,858 alleles (13%); highest among the groups gnomAD compares: Middle Eastern, 20%; 10,045 homozygotes.

Submissions (2):

GeneDx
Classification: Benign. Last evaluated: 2018-06-19. Review status: criteria provided, single submitter. Criteria: GeneDx Variant Classification (06012015). Collection method: clinical testing. Allele origin: germline. Affected: yes.
Comment: This variant is considered likely benign or benign based on one or more of the following criteria: it is a conservative change, it occurs at a poorly conserved position in the protein, it is predicted to be benign by multiple in silico algorithms, and/or has population frequency not consistent with disease.

Breakthrough Genomics
Classification: Benign. Review status: criteria provided, single submitter. Criteria: ACMG Guidelines, 2015. Collection method: not provided. Allele origin: germline. Inheritance: Autosomal dominant inheritance. Affected: yes.

NM_024422.6(DSC2):c.776-121A>G

Gene: DSC2 (desmocollin 2; minus strand). Cytogenetic location: 18q12.1.
Variant type: single nucleotide variant.
Coding change: c.776-121A>G on transcript NM_024422.6 (MANE Select); 121 bases into the intron before coding-DNA position 776, A replaced by G.
Molecular consequence: intron variant.
Genome position (GRCh38, 1-based): chr18:31,086,863, T>C on the plus strand (A>G on the coding strand, the complement: DSC2 is on the minus strand). VCF-style: chr18-31086863-T-C. GRCh37 (hg19) VCF-style: chr18-28666826-T-C.
Other names: c.776-121A>G (NM_004949.5).
Identifiers: ClinVar variation 673009 (VCV000673009.2), dbSNP rs17799745, ClinGen allele CA14571042.
Genomic context (GRCh38, chr18:31,086,863, plus strand): 5'-TTCATTCCTTTTCACCCACCTCAAAAAAGTTCTGGACCACATTATTACATGGCAAAGTCA[T>C]GGCTTTTATAAATTTGCAGACCTCTCCATACAGTATCACTTCCTTTCAAATATTCTGGCA-3'